The following is an entry in ClinVar:

ClinVar aggregate classification (germline): Uncertain significance. Review status: criteria provided, multiple submitters, no conflicts (2 of 4 stars). 4 submissions from 4 submitters: Uncertain significance (4). Last evaluated 2025-10-29.

Conditions:
Congenital myasthenic syndrome 4A. Also called: CONGENITAL MYASTHENIC SYNDROME TYPE Ia1; Myasthenic syndrome, congenital, 4a, slow-channel; MYASTHENIC SYNDROME, CONGENITAL, 4A, SLOW-CHANNEL, AUTOSOMAL RECESSIVE. Identifiers: Orphanet 590, MedGen C4225413, MONDO:0011600, OMIM 605809.

Submissions (4):

GeneDx
Classification: Uncertain significance. Last evaluated: 2025-10-29. Review status: criteria provided, single submitter. Criteria: GeneDx Variant Classification Process June 2021. Collection method: clinical testing. Allele origin: germline. Affected: yes.
Comment: In silico analysis supports a deleterious effect on protein structure/function; Has not been previously published as pathogenic or benign to our knowledge

Labcorp Genetics (formerly Invitae), Labcorp
Classification: Uncertain significance for Congenital myasthenic syndrome 4A. Last evaluated: 2025-08-18. Review status: criteria provided, single submitter. Criteria: Invitae Variant Classification Sherloc (09022015). Collection method: clinical testing. Allele origin: germline.
Comment: This sequence change replaces serine, which is neutral and polar, with isoleucine, which is neutral and non-polar, at codon 391 of the CHRNE protein (p.Ser391Ile). This variant is present in population databases (no rsID available, gnomAD 0.004%). This variant has not been reported in the literature in individuals affected with CHRNE-related conditions. ClinVar contains an entry for this variant (Variation ID: 451910). An algorithm developed to predict the effect of missense changes on protein structure and function (PolyPhen-2) suggests that this variant is likely to be disruptive. In summary, the available evidence is currently insufficient to determine the role of this variant in disease. Therefore, it has been classified as a Variant of Uncertain Significance.

Johns Hopkins Genomics, Johns Hopkins University
Classification: Uncertain significance for Congenital myasthenic syndrome 4A. Last evaluated: 2020-01-02. Review status: criteria provided, single submitter. Criteria: ACMG Guidelines, 2015. Collection method: clinical testing. Allele origin: germline.

Revvity Omics, Revvity
Classification: Uncertain significance. Last evaluated: 2019-06-27. Review status: criteria provided, single submitter. Criteria: ACMG Guidelines, 2015. Collection method: clinical testing. Allele origin: germline.

NM_000080.4(CHRNE):c.1172_1173delinsTT (p.Ser391Ile)

Genes: CHRNE (cholinergic receptor nicotinic epsilon subunit; minus strand), LOC130060040 (ATAC-STARR-seq lymphoblastoid silent region 8049; plus strand). Cytogenetic location: 17p13.2.
Variant type: Indel.
Coding change: c.1172_1173delinsTT on transcript NM_000080.4 (MANE Select); coding-DNA positions 1172 to 1173, GC replaced by TT.
Protein change: p.Ser391Ile; replaces serine 391 with isoleucine.
Molecular consequence: missense variant.
Genome position (GRCh38, 1-based): chr17:4,899,244-4,899,245, GC replaced by AA on the plus strand (GC replaced by TT on the coding strand, the reverse complement: CHRNE is on the minus strand). VCF-style: chr17-4899244-GC-AA. GRCh37 (hg19) VCF-style: chr17-4802539-GC-AA.
Other names: c.1172_1173delinsTT, p.Ser391Ile (LRG_1254t1); c.1172_1173delGCinsTT (NM_000080.3, NM_000080.4); short protein forms S391I.
Identifiers: ClinVar variation 451910 (VCV000451910.13), dbSNP rs1555546288, ClinGen allele CA658658524.
Genomic context (GRCh38, chr17:4,899,244, plus strand): 5'-GCCACTGTGCTCACCCGTCCAGGTCCCCTGCCGGTGCCTCTGCCCCTCAAACACGAGCTC[GC>AA]TCCGTGGCTTTTTCAGTATCAGCTCCTCCGCGCGGAGCAATAAGCCCACCGACGACGCCC-3'
Protein context (NP_000071.1, residues 381-401): AEELILKKPR[Ser391Ile]ELVFEGQRHR